The following is an entry in ClinVar:

ClinVar aggregate classification (germline): Uncertain significance (1 of 4 stars; one submission).

Conditions:
Vissers-Bodmer syndrome. Identifiers: MedGen C5436647, MONDO:0033618, OMIM 619033.

Submission:

MVZ Medizinische Genetik Mainz
Classification: Uncertain significance for Vissers-Bodmer syndrome. Last evaluated: 2026-04-02. Review status: criteria provided, single submitter. Criteria: UK Practice Guidelines For Variant Classification V4 01 2020. Collection method: clinical testing. Allele origin: germline. Inheritance: Autosomal dominant inheritance. Affected: yes. Observed: 1 variant allele.
Comment: ACMG Criteria: PM2_SUP,PP2

NM_016284.5(CNOT1):c.5672C>T (p.Thr1891Ile)

Gene: CNOT1 (CCR4-NOT transcription complex subunit 1; minus strand). Cytogenetic location: 16q21.
Variant type: single nucleotide variant.
Coding change: c.5672C>T on transcript NM_016284.5 (MANE Select); coding-DNA position 5672, C replaced by T.
Protein change: p.Thr1891Ile; replaces threonine 1891 with isoleucine.
Molecular consequence: missense variant. On other transcripts: non-coding transcript variant (1).
Genome position (GRCh38, 1-based): chr16:58,534,370, G>A on the plus strand (C>T on the coding strand, the complement: CNOT1 is on the minus strand). VCF-style: chr16-58534370-G-A. GRCh37 (hg19) VCF-style: chr16-58568274-G-A.
Other names: c.5657C>T, p.Thr1886Ile (NM_001265612.2); short protein forms T1886I, T1891I.
Identifiers: ClinVar variation 4849199 (VCV004849199.1).